The following is an entry in ClinVar:

NM_000092.5(COL4A4):c.1537A>T (p.Ser513Cys)

Gene: COL4A4 (collagen type IV alpha 4 chain; minus strand). Cytogenetic location: 2q36.3.
Variant type: single nucleotide variant.
Coding change: c.1537A>T on transcript NM_000092.5 (MANE Select); coding-DNA position 1537, A replaced by T.
Protein change: p.Ser513Cys; replaces serine 513 with cysteine.
Molecular consequence: missense variant.
Genome position (GRCh38, 1-based): chr2:227,088,739, T>A on the plus strand (A>T on the coding strand, the complement: COL4A4 is on the minus strand). VCF-style: chr2-227088739-T-A. GRCh37 (hg19) VCF-style: chr2-227953455-T-A.
Other names: short protein forms S513C.
Identifiers: ClinVar variation 3720420 (VCV003720420.2).

ClinVar aggregate classification (germline): Uncertain significance (1 of 4 stars; one submission).

Submission:

Labcorp Genetics (formerly Invitae), Labcorp
Classification: Uncertain significance. Last evaluated: 2024-04-14. Review status: criteria provided, single submitter. Criteria: Invitae Variant Classification Sherloc (09022015). Collection method: clinical testing. Allele origin: germline.
Comment: This sequence change replaces serine, which is neutral and polar, with cysteine, which is neutral and slightly polar, at codon 513 of the COL4A4 protein (p.Ser513Cys). This variant is not present in population databases (gnomAD no frequency). This variant has not been reported in the literature in individuals affected with COL4A4-related conditions. Advanced modeling of protein sequence and biophysical properties (such as structural, functional, and spatial information, amino acid conservation, physicochemical variation, residue mobility, and thermodynamic stability) performed at Invitae indicates that this missense variant is not expected to disrupt COL4A4 protein function with a negative predictive value of 95%. In summary, the available evidence is currently insufficient to determine the role of this variant in disease. Therefore, it has been classified as a Variant of Uncertain Significance.